The following is an entry in ClinVar:

ClinVar aggregate classification (germline): Likely benign. Review status: criteria provided, multiple submitters, no conflicts (2 of 4 stars). 2 submissions from 2 submitters: Likely benign (2). Last evaluated 2025-12-30.

Conditions:
SIX5-related disorder. Also called: SIX5-related condition.

Submissions (2):

Labcorp Genetics (formerly Invitae), Labcorp
Classification: Likely benign. Last evaluated: 2025-12-30. Review status: criteria provided, single submitter. Criteria: Invitae Variant Classification Sherloc (09022015). Collection method: clinical testing. Allele origin: germline.

PreventionGenetics, part of Exact Sciences
Classification: Likely benign for SIX5-related condition. Last evaluated: 2025-12-04. Review status: criteria provided, single submitter. Criteria: ACMG Guidelines, 2015. Collection method: clinical testing. Allele origin: germline.
Comment: This variant is classified as likely benign based on ACMG/AMP sequence variant interpretation guidelines (Richards et al. 2015 PMID: 25741868, with internal and published modifications).

NM_175875.5(SIX5):c.45G>T (p.Gly15=)

Genes: DM1-AS (DM1 locus antisense RNA; plus strand), SIX5 (SIX homeobox 5; minus strand), LOC107075317 (origin of replication in DMPK trinucleotide repeat region; plus strand). Cytogenetic location: 19q13.32.
Variant type: single nucleotide variant.
Coding change: c.45G>T on transcript NM_175875.5 (MANE Select); coding-DNA position 45, G replaced by T.
Protein change: p.Gly15=; no amino-acid change (glycine 15 retained).
Molecular consequence: synonymous variant.
Genome position (GRCh38, 1-based): chr19:45,768,800, C>A on the plus strand (G>T on the coding strand, the complement: SIX5 is on the minus strand). VCF-style: chr19-45768800-C-A. GRCh37 (hg19) VCF-style: chr19-46272058-C-A.
Other names: c.45G>T (NM_175875.4).
Identifiers: ClinVar variation 4799092 (VCV004799092.2).